The following is an entry in ClinVar:

NM_024312.5(GNPTAB):c.3254dup (p.Val1086fs)

Gene: GNPTAB (N-acetylglucosamine-1-phosphate transferase subunits alpha and beta; minus strand). Cytogenetic location: 12q23.2.
Variant type: Duplication.
Coding change: c.3254dup on transcript NM_024312.5 (MANE Select); coding-DNA position 3254, one base duplicated (C; older notation c.3254dupC).
Protein change: p.Val1086fs; shifts the reading frame from valine 1086.
Molecular consequence: frameshift variant.
Genome position (GRCh38, 1-based): chr12:101,757,653, G duplicated on the plus strand (C on the coding strand, the reverse complement: GNPTAB is on the minus strand); the first of 2 consecutive G bases (chr12:101,757,653-101,757,654); duplicating either gives the same sequence. VCF-style (leftmost placement, unchanged base first): chr12-101757652-C-CG. GRCh37 (hg19) VCF-style: chr12-102151430-C-CG.
Other names: short protein forms V1086fs.
Identifiers: ClinVar variation 1726098 (VCV001726098.3), dbSNP rs2547951882, ClinGen allele CA2580085650.

ClinVar aggregate classification (germline): Likely pathogenic (1 of 4 stars; one submission).

Conditions:
GNPTAB-mucolipidosis. Also called: UDP-N-acetylglucosamine-1-phosphotransferase subunit alpha/beta deficiency. Identifiers: MedGen CN322573, MONDO:0100122.

Submission:

Myriad Genetics, Inc.
Classification: Likely pathogenic for GNPTAB-mucolipidosis. Last evaluated: 2022-05-18. Review status: criteria provided, single submitter. Criteria: Myriad Autosomal Dominant, Autosomal Recessive and X-Linked Classification Criteria (2023). Collection method: clinical testing. Allele origin: unknown.
Comment: NM_024312.4(GNPTAB):c.3254dupC(V1086Gfs*3) is expected to be pathogenic in the context of GNPTAB-related disorders. This variant is predicted to lead to an abnormal or absent protein product due to the creation of a premature termination codon in GNPTAB, a gene where loss-of-function variants are known to be pathogenic. Please note: this variant was assessed in the context of healthy population screening.